The following is an entry in ClinVar:

ClinVar aggregate classification (germline): Benign (1 of 4 stars; one submission).

Allele frequency attached by ClinVar (database versions not stated): gnomAD exomes 0.00133; gnomAD 0.01413 and 0.01499; TOPMed 0.01552; 1000 Genomes Project 0.01563; 1000 Genomes Project 30x 0.01748.
gnomAD v4.1: 2,459 of 755,668 alleles (0.33%); highest among the groups gnomAD compares: African/African-American, 5%; 53 homozygotes.

Submission:

GeneDx
Classification: Benign. Last evaluated: 2018-06-14. Review status: criteria provided, single submitter. Criteria: GeneDx Variant Classification (06012015). Collection method: clinical testing. Allele origin: germline. Affected: yes.
Comment: This variant is considered likely benign or benign based on one or more of the following criteria: it is a conservative change, it occurs at a poorly conserved position in the protein, it is predicted to be benign by multiple in silico algorithms, and/or has population frequency not consistent with disease.

NM_004006.3(DMD):c.31+82758A>G

Gene: DMD (dystrophin; minus strand). Cytogenetic location: Xp21.1.
Variant type: single nucleotide variant.
Coding change: c.31+82758A>G on transcript NM_004006.3 (MANE Select); 82758 bases into the intron after coding-DNA position 31, A replaced by G.
Molecular consequence: intron variant.
Genome position (GRCh38, 1-based): chrX:33,128,524, T>C on the plus strand (A>G on the coding strand, the complement: DMD is on the minus strand). VCF-style: chrX-33128524-T-C. GRCh37 (hg19) VCF-style: chrX-33146641-T-C.
Other names: c.8-108324A>G (NM_000109.4).
Identifiers: ClinVar variation 681317 (VCV000681317.1), dbSNP rs112769951, ClinGen allele CA222365.